The following is an entry in ClinVar:

NM_000271.5(NPC1):c.544G>A (p.Asp182Asn)

Gene: NPC1 (NPC intracellular cholesterol transporter 1; minus strand). Cytogenetic location: 18q11.2.
Variant type: single nucleotide variant.
Coding change: c.544G>A on transcript NM_000271.5 (MANE Select); coding-DNA position 544, G replaced by A.
Protein change: p.Asp182Asn; replaces aspartic acid 182 with asparagine.
Molecular consequence: missense variant.
Genome position (GRCh38, 1-based): chr18:23,561,447, C>T on the plus strand (G>A on the coding strand, the complement: NPC1 is on the minus strand). VCF-style: chr18-23561447-C-T. GRCh37 (hg19) VCF-style: chr18-21141411-C-T.
Other names: p.Asp182Asn; short protein forms D182N.
Identifiers: ClinVar variation 502363 (VCV000502363.13), dbSNP rs201021988, ClinGen allele CA8913710.

ClinVar aggregate classification (germline): Uncertain significance. Review status: criteria provided, multiple submitters, no conflicts (2 of 4 stars). 5 submissions from 5 submitters: Uncertain significance (3). 2 of the submissions do not count toward it. Last evaluated 2024-12-16.

Conditions:
NPC1-related disorder. Also called: NPC1-related condition.
Niemann-Pick disease, type C1. Also called: NIEMANN-PICK DISEASE, VARIANT TYPE C1; NEUROVISCERAL STORAGE DISEASE WITH VERTICAL SUPRANUCLEAR OPHTHALMOPLEGIA; NIEMANN-PICK DISEASE WITH CHOLESTEROL ESTERIFICATION BLOCK; NIEMANN-PICK DISEASE WITHOUT SPHINGOMYELINASE DEFICIENCY; NIEMANN-PICK DISEASE, CHRONIC NEURONOPATHIC FORM. Identifiers: Orphanet 646, MedGen C3179455, MONDO:0009757, OMIM 257220.

Allele frequency attached by ClinVar (database versions not stated): gnomAD exomes 0.00002 and 0.00003; ExAC 0.00005; ESP Exome Variant Server 0.00008; gnomAD 0.00013 and 0.00014; TOPMed 0.00015; 1000 Genomes Project 30x 0.00016; 1000 Genomes Project 0.00020.
gnomAD v4.1: 46 of 1,614,192 alleles (0.0028%); highest among the groups gnomAD compares: African/African-American, 0.057%; no homozygotes.

Submissions (5):

Mayo Clinic Laboratories, Mayo Clinic
Classification: Uncertain significance. Last evaluated: 2024-12-16. Review status: criteria provided, single submitter. Criteria: ACMG Guidelines, 2015. Collection method: clinical testing. Allele origin: germline. Observed: 1 variant allele.
Comment: BP4, PM2_supporting

Labcorp Genetics (formerly Invitae), Labcorp
Classification: Uncertain significance for Niemann-Pick disease, type C1. Last evaluated: 2022-07-19. Review status: criteria provided, single submitter. Criteria: Invitae Variant Classification Sherloc (09022015). Collection method: clinical testing. Allele origin: germline.
Comment: This sequence change replaces aspartic acid, which is acidic and polar, with asparagine, which is neutral and polar, at codon 182 of the NPC1 protein (p.Asp182Asn). This variant is present in population databases (rs201021988, gnomAD 0.05%). This variant has not been reported in the literature in individuals affected with NPC1-related conditions. ClinVar contains an entry for this variant (Variation ID: 502363). Advanced modeling of protein sequence and biophysical properties (such as structural, functional, and spatial information, amino acid conservation, physicochemical variation, residue mobility, and thermodynamic stability) performed at Invitae indicates that this missense variant is not expected to disrupt NPC1 protein function. In summary, the available evidence is currently insufficient to determine the role of this variant in disease. Therefore, it has been classified as a Variant of Uncertain Significance.

Eurofins Ntd Llc (ga)
Classification: Uncertain significance. Last evaluated: 2018-01-31. Review status: criteria provided, single submitter. Criteria: EGL Classification Definitions 2015. Collection method: clinical testing. Allele origin: germline. Observed: 5 variant alleles, 5 heterozygotes.

PreventionGenetics, part of Exact Sciences
Classification: Uncertain significance for NPC1-related condition. Last evaluated: 2024-05-20. Review status: no assertion criteria provided. Collection method: clinical testing. Allele origin: germline. Not counted in ClinVar's aggregate classification.
Comment: The NPC1 c.544G>A variant is predicted to result in the amino acid substitution p.Asp182Asn. To our knowledge, this variant has not been reported in the literature. This variant is reported in 0.052% of alleles in individuals of African descent in gnomAD. This variant could be benign. At this time, the clinical significance of this variant is uncertain due to the absence of conclusive functional and genetic evidence.

Natera, Inc.
Classification: Uncertain significance for Niemann-Pick disease type C1. Last evaluated: 2020-09-16. Review status: no assertion criteria provided. Collection method: clinical testing. Allele origin: germline. Not counted in ClinVar's aggregate classification.

Literature cited by the submitters: PubMed 25764212 (cited by Mayo Clinic Laboratories, Mayo Clinic).